The following is an entry in ClinVar:

NM_022489.4(INF2):c.545T>A (p.Met182Lys)

Gene: INF2 (inverted formin 2; plus strand). Cytogenetic location: 14q32.33.
Variant type: single nucleotide variant.
Coding change: c.545T>A on transcript NM_022489.4 (MANE Select); coding-DNA position 545, T replaced by A.
Protein change: p.Met182Lys; replaces methionine 182 with lysine.
Molecular consequence: missense variant. On other transcripts: non-coding transcript variant (1).
Genome position (GRCh38, 1-based): chr14:104,703,332, T>A. VCF-style: chr14-104703332-T-A. GRCh37 (hg19) VCF-style: chr14-105169669-T-A.
Other names: c.545T>A, p.Met182Lys (NM_001031714.4, NM_001426862.1, NM_001426863.1 and 6 more transcripts); short protein forms M182K.
Identifiers: ClinVar variation 4293353 (VCV004293353.1).

ClinVar aggregate classification (germline): Uncertain significance (1 of 4 stars; one submission).

Conditions:
Focal segmental glomerulosclerosis 5 (FSGS5). Identifiers: Orphanet 656, MedGen C2750475, MONDO:0013191, OMIM 613237.

Submission:

3billion
Classification: Uncertain significance for Focal segmental glomerulosclerosis 5. Last evaluated: 2024-09-23. Review status: criteria provided, single submitter. Criteria: ACMG Guidelines, 2015. Collection method: clinical testing. Allele origin: germline. Affected: yes.
Comment: The variant is not observed in the gnomAD v4.0.0 dataset. Predicted Consequence/Location: Missense variant. Missense changes are a common disease-causing mechanism. In silico tool predictions suggest damaging effect of the variant on gene or gene product [REVEL: 0.84 (>=0.6, sensitivity 0.68 and specificity 0.92)]. Therefore, this variant is classified as VUS according to the recommendation of ACMG/AMP guideline.